The following is an entry in ClinVar:

NM_001374736.1(DST):c.1533T>G (p.Pro511=)

Gene: DST (dystonin; minus strand). Cytogenetic location: 6p12.1.
Variant type: single nucleotide variant.
Coding change: c.1533T>G on transcript NM_001374736.1 (MANE Select); coding-DNA position 1533, T replaced by G.
Protein change: p.Pro511=; no amino-acid change (proline 511 retained).
Molecular consequence: synonymous variant.
Genome position (GRCh38, 1-based): chr6:56,648,591, A>C on the plus strand (T>G on the coding strand, the complement: DST is on the minus strand). VCF-style: chr6-56648591-A-C. GRCh37 (hg19) VCF-style: chr6-56513389-A-C.
Other names: c.1434T>G, p.Pro478= (NM_001144769.5); c.1020T>G, p.Pro340= (NM_001144770.2); c.1533T>G, p.Pro511= (NM_001374722.1); c.900T>G, p.Pro300= (NM_001374729.1, NM_001374730.1, NM_001386100.1 and 1 more transcripts); c.1560T>G, p.Pro520= (NM_001374734.1).
Identifiers: ClinVar variation 4977931 (VCV004977931.1).

ClinVar aggregate classification (germline): Likely benign (1 of 4 stars; one submission).

Conditions:
DST-related disorder. Also called: DST-related condition; DST-related disorders.

gnomAD v4.1: 63 of 1,585,124 alleles (0.004%); highest among the groups gnomAD compares: Non-Finnish European, 0.0052%; no homozygotes.

Submission:

PreventionGenetics, part of Exact Sciences
Classification: Likely benign for DST-related condition. Last evaluated: 2026-02-18. Review status: criteria provided, single submitter. Criteria: ACMG Guidelines, 2015. Collection method: clinical testing. Allele origin: germline.
Comment: This variant is classified as likely benign based on ACMG/AMP sequence variant interpretation guidelines (Richards et al. 2015 PMID: 25741868, with internal and published modifications).